The following is an entry in ClinVar:

ClinVar aggregate classification (germline): Uncertain significance. Review status: criteria provided, multiple submitters, no conflicts (2 of 4 stars). 3 submissions from 3 submitters: Uncertain significance (3). Last evaluated 2024-09-06.

Conditions:
Arrhythmogenic right ventricular dysplasia 10. Also called: ARRHYTHMOGENIC RIGHT VENTRICULAR DYSPLASIA, FAMILIAL, 10; Arrhythmogenic Right Ventricular Dysplasia/Cardiomyopathy10; Arrhythmogenic right ventricular dysplasia/cardiomyopathy, type 10. Identifiers: MedGen C1857777, MONDO:0012434, OMIM 610193.
Arrhythmogenic right ventricular cardiomyopathy (ARVD). Also called: Arrhythmogenic right ventricular dysplasia; Cardiomyopathy, ARVC; Arrhythmogenic cardiomyopathy; Arrhythmogenic Right Ventricular Cardiomyopathy (ARVC). Identifiers: Orphanet 247, MedGen C0349788, MeSH D019571, MONDO:0016587. Disease mechanism: loss of function. Inheritance: Various modes of inheritance.

Submissions (3):

All of Us Research Program, National Institutes of Health
Classification: Uncertain significance for Arrhythmogenic right ventricular cardiomyopathy. Last evaluated: 2024-09-06. Review status: criteria provided, single submitter. Criteria: ACMG Guidelines, 2015. Collection method: clinical testing. Allele origin: germline. Inheritance: Autosomal dominant inheritance. Observed: 3 variant alleles, 3 heterozygotes.
Comment: This missense variant replaces tyrosine with aspartic acid at codon 9 of the DSG2 protein. Computational prediction suggests that this variant may not impact protein structure and function (internally defined REVEL score threshold <= 0.5, PMID: 27666373). To our knowledge, functional studies have not been reported for this variant. This variant has not been reported in individuals affected with DSG2-related disorders in the literature. This variant has been identified in 1/31180 chromosomes in the general population by the Genome Aggregation Database (gnomAD). The available evidence is insufficient to determine the role of this variant in disease conclusively. Therefore, this variant is classified as a Variant of Uncertain Significance.

This study involves interpretation of variants in research participants for the purpose of population health screening. Participant phenotype was not available at the time of variant classification. Additional details can be found in publication PMID: 35346344, PMCID: PMC8962531

Labcorp Genetics (formerly Invitae), Labcorp
Classification: Uncertain significance for Arrhythmogenic right ventricular dysplasia 10. Last evaluated: 2024-07-22. Review status: criteria provided, single submitter. Criteria: Invitae Variant Classification Sherloc (09022015). Collection method: clinical testing. Allele origin: germline.
Comment: This sequence change replaces tyrosine, which is neutral and polar, with aspartic acid, which is acidic and polar, at codon 9 of the DSG2 protein (p.Tyr9Asp). This variant is present in population databases (no rsID available, gnomAD 0.007%). This variant has not been reported in the literature in individuals affected with DSG2-related conditions. Advanced modeling of protein sequence and biophysical properties (such as structural, functional, and spatial information, amino acid conservation, physicochemical variation, residue mobility, and thermodynamic stability) performed at Invitae indicates that this missense variant is not expected to disrupt DSG2 protein function with a negative predictive value of 95%. In summary, the available evidence is currently insufficient to determine the role of this variant in disease. Therefore, it has been classified as a Variant of Uncertain Significance.

GeneDx
Classification: Uncertain significance. Last evaluated: 2024-03-11. Review status: criteria provided, single submitter. Criteria: GeneDx Variant Classification Process June 2021. Collection method: clinical testing. Allele origin: germline. Affected: yes.
Comment: Has not been previously published as pathogenic or benign to our knowledge; Not observed at significant frequency in large population cohorts (gnomAD); In silico analysis supports that this missense variant does not alter protein structure/function

NM_001943.5(DSG2):c.25T>G (p.Tyr9Asp)

Genes: DSG2 (desmoglein 2; plus strand), LOC130062340 (ATAC-STARR-seq lymphoblastoid silent region 9384; plus strand). Cytogenetic location: 18q12.1.
Variant type: single nucleotide variant.
Coding change: c.25T>G on transcript NM_001943.5 (MANE Select); coding-DNA position 25, T replaced by G.
Protein change: p.Tyr9Asp; replaces tyrosine 9 with aspartic acid.
Molecular consequence: missense variant.
Genome position (GRCh38, 1-based): chr18:31,498,276, T>G. VCF-style: chr18-31498276-T-G. GRCh37 (hg19) VCF-style: chr18-29078239-T-G.
Other names: short protein forms Y9D.
Identifiers: ClinVar variation 3069565 (VCV003069565.5), dbSNP rs1256612254, ClinGen allele CA16622093.